The following is an entry in ClinVar:

NM_001113378.2(FANCI):c.1222C>T (p.Pro408Ser)

Gene: FANCI (FA complementation group I; plus strand). Cytogenetic location: 15q26.1.
Variant type: single nucleotide variant.
Coding change: c.1222C>T on transcript NM_001113378.2 (MANE Select); coding-DNA position 1222, C replaced by T.
Protein change: p.Pro408Ser; replaces proline 408 with serine.
Molecular consequence: missense variant.
Genome position (GRCh38, 1-based): chr15:89,276,820, C>T. VCF-style: chr15-89276820-C-T. GRCh37 (hg19) VCF-style: chr15-89820051-C-T.
Other names: c.943C>T, p.Pro315Ser (NM_001376910.1); c.1222C>T, p.Pro408Ser (NM_001376911.1, NM_018193.3); short protein forms P408S, P315S.
Identifiers: ClinVar variation 2725507 (VCV002725507.3), dbSNP rs1281730489, ClinGen allele CA393742334.
Genomic context (GRCh38, chr15:89,276,820, plus strand): 5'-ATTTTGATGGATTCATATGGGCCAAAGAAGGTTCTTGATGGAAAAACTATTGAAACCAGC[C>T]CAAGTCTTTCTAGAATGCCAAACCAGCATGCATGTAAGCTCGGAGCTAATATCCTGTTGG-3'
Protein context (NP_001106849.1, residues 398-418): VLDGKTIETS[Pro408Ser]SLSRMPNQHA

ClinVar aggregate classification (germline): Uncertain significance (1 of 4 stars; one submission).

Conditions:
Fanconi anemia (FA). Also called: Fanconi's anemia. Identifiers: Orphanet 84, MedGen C0015625, MeSH D005199, MONDO:0019391.

Allele frequency attached by ClinVar (database versions not stated): gnomAD exomes 0.00002.
gnomAD v4.1: 34 of 1,614,068 alleles (0.0021%); highest among the groups gnomAD compares: Non-Finnish European, 0.0029%; no homozygotes.

Submission:

Labcorp Genetics (formerly Invitae), Labcorp
Classification: Uncertain significance for Fanconi anemia. Last evaluated: 2023-08-16. Review status: criteria provided, single submitter. Criteria: Invitae Variant Classification Sherloc (09022015). Collection method: clinical testing. Allele origin: germline.
Comment: Algorithms developed to predict the effect of missense changes on protein structure and function output the following: SIFT: "Not Available"; PolyPhen-2: "Benign"; Align-GVGD: "Not Available". The serine amino acid residue is found in multiple mammalian species, which suggests that this missense change does not adversely affect protein function. This sequence change replaces proline, which is neutral and non-polar, with serine, which is neutral and polar, at codon 408 of the FANCI protein (p.Pro408Ser). This variant is present in population databases (no rsID available, gnomAD 0.0009%). This variant has not been reported in the literature in individuals affected with FANCI-related conditions. In summary, the available evidence is currently insufficient to determine the role of this variant in disease. Therefore, it has been classified as a Variant of Uncertain Significance.